The following is an entry in ClinVar:

NM_002471.4(MYH6):c.5281A>G (p.Ile1761Val)

Gene: MYH6 (myosin heavy chain 6; minus strand). Cytogenetic location: 14q11.2.
Variant type: single nucleotide variant.
Coding change: c.5281A>G on transcript NM_002471.4 (MANE Select); coding-DNA position 5281, A replaced by G.
Protein change: p.Ile1761Val; replaces isoleucine 1761 with valine.
Molecular consequence: missense variant.
Genome position (GRCh38, 1-based): chr14:23,384,924, T>C on the plus strand (A>G on the coding strand, the complement: MYH6 is on the minus strand). VCF-style: chr14-23384924-T-C. GRCh37 (hg19) VCF-style: chr14-23854133-T-C.
Other names: short protein forms I1761V.
Identifiers: ClinVar variation 3400847 (VCV003400847.2).

ClinVar aggregate classification (germline): Uncertain significance. Review status: criteria provided, multiple submitters, no conflicts (2 of 4 stars). 2 submissions from 2 submitters: Uncertain significance (2). Last evaluated 2026-01-03.

Conditions:
Cardiovascular phenotype. Identifiers: MedGen CN230736.
MYH6-related disorder. Also called: MYH6-related condition; MYH6-Related Disorders.

Submissions (2):

PreventionGenetics, part of Exact Sciences
Classification: Uncertain significance for MYH6-related condition. Last evaluated: 2026-01-03. Review status: criteria provided, single submitter. Criteria: ACMG Guidelines, 2015. Collection method: clinical testing. Allele origin: germline.
Comment: The MYH6 c.5281A>G variant is predicted to result in the amino acid substitution p.Ile1761Val. To our knowledge, this variant has not been reported in the literature or in a large population database (gnomAD), indicating this variant is rare. At this time, the clinical significance of this variant is uncertain due to the absence of conclusive functional and genetic evidence.

Ambry Genetics
Classification: Uncertain significance for Cardiovascular phenotype. Last evaluated: 2024-09-14. Review status: criteria provided, single submitter. Criteria: Ambry Variant Classification Scheme 2023. Collection method: clinical testing. Allele origin: germline.
Comment: The p.I1761V variant (also known as c.5281A>G), located in coding exon 33 of the MYH6 gene, results from an A to G substitution at nucleotide position 5281. The isoleucine at codon 1761 is replaced by valine, an amino acid with highly similar properties. This amino acid position is conserved. In addition, this alteration is predicted to be tolerated by in silico analysis. Based on the available evidence, the clinical significance of this variant remains unclear.